The following is an entry in ClinVar:

NM_205836.3(FBXO38):c.2181T>C (p.Phe727=)

Gene: FBXO38 (F-box protein 38; plus strand). Cytogenetic location: 5q32.
Variant type: single nucleotide variant.
Coding change: c.2181T>C on transcript NM_205836.3 (MANE Select); coding-DNA position 2181, T replaced by C.
Protein change: p.Phe727=; no amino-acid change (phenylalanine 727 retained).
Molecular consequence: synonymous variant. On other transcripts: intron variant (1).
Genome position (GRCh38, 1-based): chr5:148,427,475, T>C. VCF-style: chr5-148427475-T-C. GRCh37 (hg19) VCF-style: chr5-147807038-T-C.
Other names: c.2181T>C, p.Phe727= (NM_030793.5); c.1918+1774T>C (NM_001271723.2).
Identifiers: ClinVar variation 767156 (VCV000767156.12), dbSNP rs370826896, ClinGen allele CA3497459.

ClinVar aggregate classification (germline): Likely benign. Review status: criteria provided, multiple submitters, no conflicts (2 of 4 stars). 2 submissions from 2 submitters: Likely benign (2). Last evaluated 2026-06-28.

Conditions:
Distal hereditary motor neuropathy type 2. Identifiers: Orphanet 139525, MedGen C3711384, MeSH C580044, MONDO:0015352.
FBXO38-related disorder. Also called: FBXO38-related condition.

Allele frequency attached by ClinVar (database versions not stated): gnomAD 0.00004; gnomAD exomes 0.00004 and 0.00006; TOPMed 0.00004; ExAC 0.00005; ESP Exome Variant Server 0.00008; 1000 Genomes Project 30x 0.00016; 1000 Genomes Project 0.00020.
gnomAD v4.1: 101 of 1,614,198 alleles (0.0063%); highest among the groups gnomAD compares: South Asian, 0.0088%; no homozygotes.

Submissions (2):

PreventionGenetics, part of Exact Sciences
Classification: Likely benign for FBXO38-related condition. Last evaluated: 2026-06-28. Review status: criteria provided, single submitter. Criteria: ACMG Guidelines, 2015. Collection method: clinical testing. Allele origin: germline.
Comment: This variant is classified as likely benign based on ACMG/AMP sequence variant interpretation guidelines (Richards et al. 2015 PMID: 25741868, with internal and published modifications).

Labcorp Genetics (formerly Invitae), Labcorp
Classification: Likely benign for Distal hereditary motor neuropathy type 2. Last evaluated: 2025-08-03. Review status: criteria provided, single submitter. Criteria: Invitae Variant Classification Sherloc (09022015). Collection method: clinical testing. Allele origin: germline.